The following is an entry in ClinVar:

ClinVar aggregate classification (germline): Benign. Review status: criteria provided, multiple submitters, no conflicts (2 of 4 stars). 2 submissions from 2 submitters: Benign (2). Last evaluated 2018-06-18.

Allele frequency attached by ClinVar (database versions not stated): gnomAD 0.24893 and 0.26874; 1000 Genomes Project 0.26717; 1000 Genomes Project 30x 0.27639; TOPMed 0.28533.
gnomAD v4.1: 260,878 of 1,483,462 alleles (18%); highest among the groups gnomAD compares: African/African-American, 56%; 29,739 homozygotes.

Submissions (2):

GeneDx
Classification: Benign. Last evaluated: 2018-06-18. Review status: criteria provided, single submitter. Criteria: GeneDx Variant Classification (06012015). Collection method: clinical testing. Allele origin: germline. Affected: yes.
Comment: This variant is considered likely benign or benign based on one or more of the following criteria: it is a conservative change, it occurs at a poorly conserved position in the protein, it is predicted to be benign by multiple in silico algorithms, and/or has population frequency not consistent with disease.

Breakthrough Genomics
Classification: Benign. Review status: criteria provided, single submitter. Criteria: ACMG Guidelines, 2015. Collection method: not provided. Allele origin: germline. Inheritance: Autosomal recessive inheritance. Affected: yes.

NM_006440.5(TXNRD2):c.950-113G>C

Gene: TXNRD2 (thioredoxin reductase 2; minus strand). Cytogenetic location: 22q11.21.
Variant type: single nucleotide variant.
Coding change: c.950-113G>C on transcript NM_006440.5 (MANE Select); 113 bases into the intron before coding-DNA position 950, G replaced by C.
Molecular consequence: intron variant.
Genome position (GRCh38, 1-based): chr22:19,883,574, C>G on the plus strand (G>C on the coding strand, the complement: TXNRD2 is on the minus strand). VCF-style: chr22-19883574-C-G. GRCh37 (hg19) VCF-style: chr22-19871097-C-G.
Other names: c.947-113G>C (NM_001352300.2); c.662-113G>C (NM_001352302.2); c.860-113G>C (NM_001352301.2).
Identifiers: ClinVar variation 678663 (VCV000678663.2), dbSNP rs13057374, ClinGen allele CA14920341.